The following is an entry in ClinVar:

NM_001696.4(ATP6V1E1):c.188A>T (p.Gln63Leu)

Gene: ATP6V1E1 (ATPase H+ transporting V1 subunit E1; minus strand). Cytogenetic location: 22q11.21.
Variant type: single nucleotide variant.
Coding change: c.188A>T on transcript NM_001696.4 (MANE Select); coding-DNA position 188, A replaced by T.
Protein change: p.Gln63Leu; replaces glutamine 63 with leucine.
Molecular consequence: missense variant.
Genome position (GRCh38, 1-based): chr22:17,613,232, T>A on the plus strand (A>T on the coding strand, the complement: ATP6V1E1 is on the minus strand). VCF-style: chr22-17613232-T-A. GRCh37 (hg19) VCF-style: chr22-18095998-T-A.
Other names: c.122A>T, p.Gln41Leu (NM_001039366.1); c.188A>T, p.Gln63Leu (NM_001039367.1); short protein forms Q41L, Q63L.
Identifiers: ClinVar variation 1307105 (VCV001307105.3), dbSNP rs2146308766, ClinGen allele CA410241454.

ClinVar aggregate classification (germline): Uncertain significance. Review status: criteria provided, multiple submitters, no conflicts (2 of 4 stars). 2 submissions from 2 submitters: Uncertain significance (2). Last evaluated 2025-10-14.

Submissions (2):

Ambry Genetics
Classification: Uncertain significance. Last evaluated: 2025-10-14. Review status: criteria provided, single submitter. Criteria: Ambry Variant Classification Scheme 2023. Collection method: clinical testing. Allele origin: germline.

GeneDx
Classification: Uncertain significance. Last evaluated: 2019-07-12. Review status: criteria provided, single submitter. Criteria: GeneDx Variant Classification Process June 2021. Collection method: clinical testing. Allele origin: germline. Affected: yes.
Comment: Has not been previously published as pathogenic or benign to our knowledge; Not observed in large population cohorts (Lek et al., 2016); In silico analysis, which includes protein predictors and evolutionary conservation, supports a deleterious effect